The following is an entry in ClinVar:

ClinVar aggregate classification (germline): Uncertain significance (1 of 4 stars; one submission).

Conditions:
Dystonia 12 (DYT12). Also called: Rapid-Onset Dystonia-Parkinsonism (RDP); DYT-ATP1A3. Identifiers: Orphanet 71517, MedGen C1868681, MONDO:0007496, OMIM 128235.

Allele frequency attached by ClinVar (database versions not stated): gnomAD exomes below 0.00001.
gnomAD v4.1: 2 of 1,614,128 alleles (0.00012%); highest among the groups gnomAD compares: Non-Finnish European, 0.00017%; no homozygotes.

Submission:

Labcorp Genetics (formerly Invitae), Labcorp
Classification: Uncertain significance for Dystonia 12. Last evaluated: 2024-04-25. Review status: criteria provided, single submitter. Criteria: Invitae Variant Classification Sherloc (09022015). Collection method: clinical testing. Allele origin: germline.
Comment: This sequence change replaces isoleucine, which is neutral and non-polar, with valine, which is neutral and non-polar, at codon 430 of the ATP1A3 protein (p.Ile430Val). This variant is present in population databases (no rsID available, gnomAD 0.0009%). This variant has not been reported in the literature in individuals affected with ATP1A3-related conditions. ClinVar contains an entry for this variant (Variation ID: 536468). Advanced modeling of protein sequence and biophysical properties (such as structural, functional, and spatial information, amino acid conservation, physicochemical variation, residue mobility, and thermodynamic stability) performed at Invitae indicates that this missense variant is not expected to disrupt ATP1A3 protein function with a negative predictive value of 95%. In summary, the available evidence is currently insufficient to determine the role of this variant in disease. Therefore, it has been classified as a Variant of Uncertain Significance.

NM_152296.5(ATP1A3):c.1288A>G (p.Ile430Val)

Gene: ATP1A3 (ATPase Na+/K+ transporting subunit alpha 3; minus strand). Cytogenetic location: 19q13.2.
Variant type: single nucleotide variant.
Coding change: c.1288A>G on transcript NM_152296.5 (MANE Select); coding-DNA position 1288, A replaced by G.
Protein change: p.Ile430Val; replaces isoleucine 430 with valine.
Molecular consequence: missense variant.
Genome position (GRCh38, 1-based): chr19:41,981,736, T>C on the plus strand (A>G on the coding strand, the complement: ATP1A3 is on the minus strand). VCF-style: chr19-41981736-T-C. GRCh37 (hg19) VCF-style: chr19-42485888-T-C.
Other names: c.1321A>G, p.Ile441Val (NM_001256213.2); c.1327A>G, p.Ile443Val (NM_001256214.2); short protein forms I430V, I443V, I441V.
Identifiers: ClinVar variation 536468 (VCV000536468.9), dbSNP rs1555863472, ClinGen allele CA406050192.